The following is an entry in ClinVar:

ClinVar aggregate classification (germline): Likely pathogenic (1 of 4 stars; one submission).

Conditions:
Werner syndrome (WRN). Identifiers: Orphanet 902, MedGen C0043119, MONDO:0010196, OMIM 277700.

Allele frequency attached by ClinVar (database versions not stated): gnomAD exomes 0.00001; ExAC 0.00002.
gnomAD v4.1: 3 of 1,611,888 alleles (0.00019%); highest among the groups gnomAD compares: Non-Finnish European, 0.00025%; no homozygotes.

Submission:

Labcorp Genetics (formerly Invitae), Labcorp
Classification: Likely pathogenic for Werner syndrome. Last evaluated: 2022-08-07. Review status: criteria provided, single submitter. Criteria: Invitae Variant Classification Sherloc (09022015). Collection method: clinical testing. Allele origin: germline.
Comment: In summary, the currently available evidence indicates that the variant is pathogenic, but additional data are needed to prove that conclusively. Therefore, this variant has been classified as Likely Pathogenic. Algorithms developed to predict the effect of sequence changes on RNA splicing suggest that this variant may disrupt the consensus splice site. ClinVar contains an entry for this variant (Variation ID: 654249). This variant has not been reported in the literature in individuals affected with WRN-related conditions. This variant is present in population databases (rs752465293, gnomAD 0.003%). This sequence change affects an acceptor splice site in intron 33 of the WRN gene. It is expected to disrupt RNA splicing. Variants that disrupt the donor or acceptor splice site typically lead to a loss of protein function (PMID: 16199547), and loss-of-function variants in WRN are known to be pathogenic (PMID: 16673358).

Literature cited by the submitters: PubMed 16199547; PubMed 16673358.

NM_000553.6(WRN):c.3983-1G>T

Gene: WRN (WRN RecQ like helicase; plus strand). Cytogenetic location: 8p12.
Variant type: single nucleotide variant.
Coding change: c.3983-1G>T on transcript NM_000553.6 (MANE Select); the canonical splice acceptor site of the intron before coding-DNA position 3983, G replaced by T.
Molecular consequence: splice acceptor variant.
Genome position (GRCh38, 1-based): chr8:31,167,021, G>T. VCF-style: chr8-31167021-G-T. GRCh37 (hg19) VCF-style: chr8-31024537-G-T.
Identifiers: ClinVar variation 654249 (VCV000654249.6), dbSNP rs752465293, ClinGen allele CA4705235.